The following is an entry in ClinVar:

NM_153704.6(TMEM67):c.1288+2T>C

Gene: TMEM67 (transmembrane protein 67; plus strand). Cytogenetic location: 8q22.1.
Variant type: single nucleotide variant.
Coding change: c.1288+2T>C on transcript NM_153704.6 (MANE Select); the canonical splice donor site of the intron after coding-DNA position 1288, T replaced by C.
Molecular consequence: splice donor variant.
Genome position (GRCh38, 1-based): chr8:93,785,380, T>C. VCF-style: chr8-93785380-T-C. GRCh37 (hg19) VCF-style: chr8-94797608-T-C.
Other names: c.1045+2T>C (NM_001142301.1).
Identifiers: ClinVar variation 5001842 (VCV005001842.1).
Genomic context (GRCh38, chr8:93,785,380, plus strand): 5'-TTTGGCTGTGCCTGTGTTAAACCTAAATCTTCAACATAATAAGATATTTGTGAACCAAGG[T>C]AAGACATCCATACATACCACTCTTTTCCCTGAGCAGAAATCAACAAATAAGTTAACCTAC-3'

ClinVar aggregate classification (germline): Likely pathogenic (1 of 4 stars; one submission).

Conditions:
TMEM67-related disorder. Also called: TMEM67-related disorders; TMEM67-related condition. Identifiers: MedGen CN239423.

Submission:

PreventionGenetics, part of Exact Sciences
Classification: Likely pathogenic for TMEM67-related condition. Last evaluated: 2024-11-22. Review status: criteria provided, single submitter. Criteria: ACMG Guidelines, 2015. Collection method: clinical testing. Allele origin: germline.
Comment: The TMEM67 c.1288+2T>C variant is predicted to disrupt the GT donor site and interfere with normal splicing. To our knowledge, this variant has not been reported in the literature or in a large population database (gnomAD), indicating this variant is rare. Variants that disrupt the consensus splice donor site in TMEM67 are expected to be pathogenic. This variant is interpreted as likely pathogenic.